The following is an entry in ClinVar:

NM_001458.5(FLNC):c.3908A>T (p.Tyr1303Phe)

Gene: FLNC (filamin C; plus strand). Cytogenetic location: 7q32.1.
Variant type: single nucleotide variant.
Coding change: c.3908A>T on transcript NM_001458.5 (MANE Select); coding-DNA position 3908, A replaced by T.
Protein change: p.Tyr1303Phe; replaces tyrosine 1303 with phenylalanine.
Molecular consequence: missense variant.
Genome position (GRCh38, 1-based): chr7:128,846,107, A>T. VCF-style: chr7-128846107-A-T. GRCh37 (hg19) VCF-style: chr7-128486161-A-T.
Other names: c.3908A>T, p.Tyr1303Phe (NM_001127487.2); short protein forms Y1303F.
Identifiers: ClinVar variation 945044 (VCV000945044.10), dbSNP rs1808553804, ClinGen allele CA369198707.
Genomic context (GRCh38, chr7:128,846,107, plus strand): 5'-CAGGCGGCAACCACGTGACGGCTCGTGTGCTCAACCCCTCGGGGGCCAAGACAGACACCT[A>T]TGTGACAGACAATGGGGACGGCACCTACCGAGTGCAGTACACCGCCTACGAGGAGGGTGA-3'
Protein context (NP_001449.3, residues 1293-1313): LNPSGAKTDT[Tyr1303Phe]VTDNGDGTYR

ClinVar aggregate classification (germline): Uncertain significance (1 of 4 stars; one submission).

Conditions:
Myofibrillar myopathy 5. Also called: Filaminopathy (type); FILAMINOPATHY, AUTOSOMAL DOMINANT. Identifiers: Orphanet 171445, MedGen C1836050, MONDO:0012289, OMIM 609524.
Distal myopathy with posterior leg and anterior hand involvement. Also called: WILLIAMS DISTAL MYOPATHY. Identifiers: Orphanet 63273, MedGen C3279722, MONDO:0013550, OMIM 614065.
Hypertrophic cardiomyopathy 26. Also called: Cardiomyopathy, familial hypertrophic, 26. Identifiers: Orphanet 75249, MedGen C4310749, MONDO:0014883, OMIM 617047.

Submission:

Labcorp Genetics (formerly Invitae), Labcorp
Classification: Uncertain significance for Distal myopathy with posterior leg and anterior hand involvement; Myofibrillar myopathy 5; Hypertrophic cardiomyopathy 26. Last evaluated: 2019-07-01. Review status: criteria provided, single submitter. Criteria: Invitae Variant Classification Sherloc (09022015). Collection method: clinical testing. Allele origin: germline.
Comment: In summary, the available evidence is currently insufficient to determine the role of this variant in disease. Therefore, it has been classified as a Variant of Uncertain Significance. Algorithms developed to predict the effect of missense changes on protein structure and function (SIFT, PolyPhen-2, Align-GVGD) all suggest that this variant is likely to be tolerated, but these predictions have not been confirmed by published functional studies and their clinical significance is uncertain. This variant has not been reported in the literature in individuals with FLNC-related conditions. This variant is not present in population databases (ExAC no frequency). This sequence change replaces tyrosine with phenylalanine at codon 1303 of the FLNC protein (p.Tyr1303Phe). The tyrosine residue is moderately conserved and there is a small physicochemical difference between tyrosine and phenylalanine.